The following is an entry in ClinVar:

NM_001079866.2(BCS1L):c.550C>T (p.Arg184Cys)

Gene: BCS1L (BCS1 ubiquinol-cytochrome c reductase complex chaperone; plus strand). Cytogenetic location: 2q35.
Variant type: single nucleotide variant.
Coding change: c.550C>T on transcript NM_001079866.2 (MANE Select); coding-DNA position 550, C replaced by T.
Protein change: p.Arg184Cys; replaces arginine 184 with cysteine.
Molecular consequence: missense variant. On other transcripts: non-coding transcript variant (1).
Genome position (GRCh38, 1-based): chr2:218,661,848, C>T. VCF-style: chr2-218661848-C-T. GRCh37 (hg19) VCF-style: chr2-219526571-C-T.
Other names: c.550C>T, p.Arg184Cys (NM_001257342.2, NM_001257343.2, NM_001257344.2 and 10 more transcripts); c.190C>T, p.Arg64Cys (NM_001318836.2, NM_001371451.1); c.49C>T, p.Arg17Cys (NM_001371452.1, NM_001371453.1, NM_001371454.1 and 3 more transcripts); short protein forms R184C, R64C, R17C.
Identifiers: ClinVar variation 6171 (VCV000006171.35), dbSNP rs121908578, ClinGen allele CA118026.

ClinVar aggregate classification (germline): Pathogenic/Likely pathogenic. Review status: criteria provided, multiple submitters, no conflicts (2 of 4 stars). 16 submissions from 15 submitters: Pathogenic (6); Likely pathogenic (6). 4 of the submissions do not count toward it. Last evaluated 2026-05-11.

Conditions:
BCS1L-related disorder. Also called: BCS1L-related disorders; BCS1L-related condition. Identifiers: MedGen CN239240.
Pili torti-deafness syndrome (BJS). Also called: PILI TORTI AND NERVE DEAFNESS; Bjornstad syndrome. Identifiers: Orphanet 123, MedGen C0266006, MONDO:0009872, OMIM 262000.
Mitochondrial complex III deficiency nuclear type 1. Identifiers: Orphanet 254902, MedGen C3541471, MONDO:0007415, OMIM 124000.
GRACILE syndrome (FLNMS). Also called: FELLMAN SYNDROME; FINNISH LETHAL NEONATAL METABOLIC SYNDROME. Identifiers: Orphanet 53693, MedGen C1864002, MONDO:0011308, OMIM 603358.
BJORNSTAD SYNDROME WITH MILD MITOCHONDRIAL COMPLEX III DEFICIENCY. Identifiers: MedGen C4016851.

Allele frequency attached by ClinVar (database versions not stated): gnomAD exomes 0.00007 and 0.00018; gnomAD 0.00011; ExAC 0.00017; TOPMed 0.00009.
gnomAD v4.1: 135 of 1,614,064 alleles (0.0084%); highest among the groups gnomAD compares: Admixed American, 0.02%; 1 homozygote.

Submissions (16):

GeneDx
Classification: Pathogenic. Last evaluated: 2026-05-11. Review status: criteria provided, single submitter. Criteria: GeneDx Variant Classification Process June 2021. Collection method: clinical testing. Allele origin: germline.
Comment: Functional analysis found that this variant was unable to rescue BSC1L-defcicient yeast (PMID: 17403714, 17314340); In silico analysis supports that this missense variant has a deleterious effect on protein structure/function; This variant is associated with the following publications: (PMID: 17403714, 19285991, 17314340, 20518024, 22310368, 28322498, Gandelman2020[Case Report], 32375044, 31589614, 23220121, 36157077, 33920624, 18620006, 30582773, 36912136, 38465286, 38039045)

Labcorp Genetics (formerly Invitae), Labcorp
Classification: Pathogenic. Last evaluated: 2026-01-16. Review status: criteria provided, single submitter. Criteria: Invitae Variant Classification Sherloc (09022015). Collection method: clinical testing. Allele origin: germline.
Comment: This sequence change replaces arginine, which is basic and polar, with cysteine, which is neutral and slightly polar, at codon 184 of the BCS1L protein (p.Arg184Cys). This variant is present in population databases (rs121908578, gnomAD 0.3%), including at least one homozygous and/or hemizygous individual. This missense change has been observed in individuals with BCS1L-related conditions (PMID: 17314340, 17403714, 30582773). ClinVar contains an entry for this variant (Variation ID: 6171). Invitae Evidence Modeling of protein sequence and biophysical properties (such as structural, functional, and spatial information, amino acid conservation, physicochemical variation, residue mobility, and thermodynamic stability) has been performed for this missense variant. However, the output from this modeling did not meet the statistical confidence thresholds required to predict the impact of this variant on BCS1L protein function. Experimental studies have shown that this missense change affects BCS1L function (PMID: 17314340, 17403714). For these reasons, this variant has been classified as Pathogenic.

Women's Health and Genetics/Laboratory Corporation of America, LabCorp
Classification: Pathogenic for GRACILE syndrome. Last evaluated: 2025-10-29. Review status: criteria provided, single submitter. Criteria: LabCorp Variant Classification Summary - May 2015. Collection method: clinical testing. Allele origin: germline.
Comment: Variant summary: BCS1L c.550C>T (p.Arg184Cys) results in a non-conservative amino acid change in the encoded protein sequence. Algorithms developed to predict the effect of missense changes on protein structure and function all suggest that this variant is likely to be disruptive. The variant allele was found at a frequency of 0.00018 in 251364 control chromosomes in the gnomAD database, including 1 homozygotes. This frequency is not significantly higher than estimated for disease-causing variants in BCS1L, allowing no conclusion about variant significance. c.550C>T has been observed in multiple individuals affected with BCS1L-related conditions (Hinson_2007, Fernandez-Vizarra_2007, Moran_2010, Baker_2019, Nogueria_2024, Sacchini_2023). These data indicate that the variant is very likely to be associated with disease. At least one publication reports experimental evidence evaluating an impact on protein function. The most pronounced variant effect results in attenuated growth in yeast cells (Hinson_2007, Fernandez-Vizarra_2007). The following publications have been ascertained in the context of this evaluation (PMID: 30582773, 17403714, 17314340, 24704045, 38465286, 38039045). ClinVar contains an entry for this variant (Variation ID: 6171). Based on the evidence outlined above, the variant was classified as pathogenic.

Natera, Inc.
Classification: Likely pathogenic for GRACILE syndrome. Last evaluated: 2025-09-11. Review status: criteria provided, single submitter. Criteria: Natera Variant Classification Schema (03/2026). Collection method: clinical testing. Allele origin: germline.
Comment: The c.550C>T variant in BCS1L is a missense variant predicted to cause substitution of arginine to cysteine at amino acid 184. This variant is rare in the general population with a frequency below the threshold expected for the associated phenotype(s). This variant has been observed in at least one unaffected individual, with a zygosity that is consistent with the inheritance pattern for the associated condition (in gnomAD and/or literature). This variant has been observed in one or more individuals affected with the associated recessive disease, as either homozygous or compound heterozygous with a second variant (PMID: 17403714). Functional studies show that this variant may disrupt protein function (PMID: 17403714). Computational prediction algorithms indicate this variant is likely to affect gene or protein function. Given the available evidence, this variant is classified as Likely Pathogenic.

First Genomix Gene Laboratory, Genetic Diagnostics Department
Classification: Likely pathogenic for Pili torti-deafness syndrome; GRACILE syndrome; Mitochondrial complex III deficiency nuclear type 1. Last evaluated: 2025-08-22. Review status: criteria provided, single submitter. Criteria: ACMG Guidelines, 2015. Collection method: clinical testing. Allele origin: germline. Inheritance: Autosomal recessive inheritance. Affected: no. Observed: 1 variant allele.

Dasa
Classification: Pathogenic. Last evaluated: 2025-05-14. Review status: criteria provided, single submitter. Criteria: DASA Assertion Criteria. Collection method: clinical testing. Allele origin: germline.
Comment: NM_001079866.2(BCS1L):c.550C>T (p.Arg184Cys) is a missense variant that results in the substitution of arginine with cysteine. This variant has been observed in affected individuals with related phenotype in a genotype context consistent with recessive disease (PMID: 17314340; PMID: 17403714; PMID: 30582773; PMID: 33920624). Functional evidence supports a deleterious effect on the gene or gene product (PMID: 17314340; PMID: 17403714; PMID: 30582773; PMID: 33920624). This variant has been recurrently observed in individuals with related phenotype (PMID: 17314340; PMID: 17403714; PMID: 30582773; PMID: 33920624). Segregation evidence has been reported in affected families. Multiple computational predictions support a deleterious effect on the gene or gene product. The variant is present at low frequency in population datasets. Based on the available data, this variant is classified as pathogenic.

Blueprint Genetics
Classification: Likely pathogenic for BCS1L-related disorders. Last evaluated: 2024-11-22. Review status: criteria provided, single submitter. Criteria: ACMG Guidelines, 2015. Collection method: clinical testing. Allele origin: germline. Affected: yes. Observed: 5 variant alleles.

Revvity Omics, Revvity
Classification: Likely pathogenic. Last evaluated: 2024-08-16. Review status: criteria provided, single submitter. Criteria: ACMG Guidelines, 2015. Collection method: clinical testing. Allele origin: germline.

Fulgent Genetics
Classification: Likely pathogenic for Mitochondrial complex III deficiency nuclear type 1; Pili torti-deafness syndrome; GRACILE syndrome. Last evaluated: 2024-04-13. Review status: criteria provided, single submitter. Criteria: ACMG Guidelines, 2015. Collection method: clinical testing. Allele origin: germline.

Baylor Genetics
Classification: Pathogenic for Pili torti-deafness syndrome. Last evaluated: 2024-03-27. Review status: criteria provided, single submitter. Criteria: ACMG Guidelines, 2015. Collection method: clinical testing. Allele origin: unknown.

Clinical Genetics Service, Universitary Hospital 12 de Octubre
Classification: Pathogenic for Mitochondrial complex III deficiency nuclear type 1. Review status: criteria provided, single submitter. Criteria: ACMG Guidelines, 2015. Collection method: clinical testing. Allele origin: germline. Affected: yes.

Kariminejad - Najmabadi Pathology & Genetics Center
Classification: Likely pathogenic for GRACILE syndrome. Review status: criteria provided, single submitter. Criteria: ACMG Guidelines, 2015. Collection method: clinical testing. Allele origin: germline. Affected: no.

PreventionGenetics, part of Exact Sciences
Classification: Likely pathogenic for BCS1L-related condition. Last evaluated: 2024-01-15. Review status: no assertion criteria provided. Collection method: clinical testing. Allele origin: germline. Not counted in ClinVar's aggregate classification.
Comment: The BCS1L c.550C>T variant is predicted to result in the amino acid substitution p.Arg184Cys. This variant has been reported in the homozygous and compound heterozygous states in multiple individuals affected with Björnstad syndrome/mitochondrial complex III deficiency, and functional studies support its pathogenicity (Hinson et al. 2007. PubMed ID: 17314340; Baker et al. 2019. PubMed ID: 30582773; Fernandez-Vizarra et al. 2007. PubMed ID: 17403714). However it is also documented in more than 40 heterozygous and one homozygous individual of unknown phenotype in the gnomAD database. Based on the collective information, we interpret this change as likely pathogenic.

Mayo Clinic Laboratories, Mayo Clinic
Classification: Likely pathogenic. Last evaluated: 2016-02-26. Review status: no assertion criteria provided. Collection method: clinical testing. Allele origin: unknown. Not counted in ClinVar's aggregate classification.

OMIM
Classification: Pathogenic for BJORNSTAD SYNDROME WITH MILD MITOCHONDRIAL COMPLEX III DEFICIENCY. Last evaluated: 2007-05-15. Review status: no assertion criteria provided. Collection method: literature only. Allele origin: germline. Not counted in ClinVar's aggregate classification.

OMIM
Classification: Pathogenic for MITOCHONDRIAL COMPLEX III DEFICIENCY, NUCLEAR TYPE 1. Last evaluated: 2007-05-15. Review status: no assertion criteria provided. Collection method: literature only. Allele origin: germline. Not counted in ClinVar's aggregate classification.

Literature cited by the submitters: PubMed 17314340 (cited by 4 submitters); PubMed 17403714 (cited by 5 submitters); PubMed 30582773 (cited by 3 submitters); PubMed 24704045 (cited by Women's Health and Genetics/Laboratory Corporation of America, LabCorp); PubMed 38465286 (cited by Women's Health and Genetics/Laboratory Corporation of America, LabCorp); PubMed 38039045 (cited by Women's Health and Genetics/Laboratory Corporation of America, LabCorp); PubMed 33920624 (cited by Dasa).